The following is an entry in ClinVar:

ClinVar aggregate classification (germline): Uncertain significance (1 of 4 stars; one submission).

gnomAD v4.1: 1 of 1,611,254 alleles (0.000062%); highest among the groups gnomAD compares: Middle Eastern, 0.017%; no homozygotes.

Submission:

GeneDx
Classification: Uncertain significance. Last evaluated: 2024-08-16. Review status: criteria provided, single submitter. Criteria: GeneDx Variant Classification Process June 2021. Collection method: clinical testing. Allele origin: germline. Affected: yes.
Comment: Not observed at significant frequency in large population cohorts (gnomAD); In silico analysis indicates that this missense variant does not alter protein structure/function; Has not been previously published as pathogenic or benign to our knowledge

NM_001080517.3(SETD5):c.1518C>A (p.Ser506Arg)

Gene: SETD5 (SET domain containing 5; plus strand). Cytogenetic location: 3p25.3.
Variant type: single nucleotide variant.
Coding change: c.1518C>A on transcript NM_001080517.3 (MANE Select); coding-DNA position 1518, C replaced by A.
Protein change: p.Ser506Arg; replaces serine 506 with arginine.
Molecular consequence: missense variant.
Genome position (GRCh38, 1-based): chr3:9,445,734, C>A. VCF-style: chr3-9445734-C-A. GRCh37 (hg19) VCF-style: chr3-9487418-C-A.
Other names: c.1224C>A, p.Ser408Arg (NM_001292043.2, NM_001349451.2); short protein forms S408R, S506R.
Identifiers: ClinVar variation 3731261 (VCV003731261.1).